The following is an entry in ClinVar:

NM_001048174.2(MUTYH):c.507del (p.Gly171fs)

Gene: MUTYH (mutY DNA glycosylase; minus strand). Cytogenetic location: 1p34.1.
Variant type: Deletion.
Coding change: c.507del on transcript NM_001048174.2 (MANE Select); coding-DNA position 507, one base deleted (A; older notation c.507delA).
Protein change: p.Gly171fs; shifts the reading frame from glycine 171.
Molecular consequence: frameshift variant. On other transcripts: non-coding transcript variant (2).
Genome position (GRCh38, 1-based): chr1:45,332,673, T deleted on the plus strand (A on the coding strand, the reverse complement: MUTYH is on the minus strand). VCF-style (leftmost placement, unchanged base first): chr1-45332672-CT-C. GRCh37 (hg19) VCF-style: chr1-45798344-CT-C.
Other names: c.591delA (NM_001128425.1); c.507del, p.Gly171fs (NM_001048171.2, NM_001048173.2, NM_001293195.2); c.510del, p.Gly172fs (NM_001048172.2); c.591del, p.Gly199fs (NM_001128425.2); c.552del, p.Gly186fs (NM_001293190.2); c.540del, p.Gly182fs (NM_001293191.2); c.231del, p.Gly79fs (NM_001293192.2, NM_001293196.2); c.162del, p.Gly56fs (NM_001350650.2, NM_001350651.2); and 1 more; short protein forms G171fs, G172fs, G182fs, G186fs, G196fs, G199fs, G56fs, G79fs.
Identifiers: ClinVar variation 1070115 (VCV001070115.9), dbSNP rs2149152823, ClinGen allele CA2499214767.

ClinVar aggregate classification (germline): Pathogenic. Review status: criteria provided, multiple submitters, no conflicts (2 of 4 stars). 3 submissions from 3 submitters: Pathogenic (3). Last evaluated 2025-08-30.

Conditions:
Familial adenomatous polyposis 2. Also called: Adenomas, multiple colorectal; MUTYH Polyposis; COLORECTAL ADENOMATOUS POLYPOSIS, AUTOSOMAL RECESSIVE; ADENOMAS, MULTIPLE COLORECTAL, AUTOSOMAL RECESSIVE; FAP type 2; MUTYH-associated polyposis. Identifiers: Orphanet 220460, Orphanet 247798, MedGen C3272841, MONDO:0012041, OMIM 608456.
Hereditary cancer-predisposing syndrome. Also called: Neoplastic Syndromes, Hereditary; Hereditary Cancer Syndrome; Hereditary neoplastic syndrome; Tumor predisposition. Identifiers: Orphanet 140162, MedGen C0027672, MeSH D009386, MONDO:0015356.

Submissions (3):

Labcorp Genetics (formerly Invitae), Labcorp
Classification: Pathogenic for Familial adenomatous polyposis 2. Last evaluated: 2025-08-30. Review status: criteria provided, single submitter. Criteria: Invitae Variant Classification Sherloc (09022015). Collection method: clinical testing. Allele origin: germline.
Comment: This sequence change creates a premature translational stop signal (p.Gly199Alafs*41) in the MUTYH gene. It is expected to result in an absent or disrupted protein product. Loss-of-function variants in MUTYH are known to be pathogenic (PMID: 18534194, 20663686). This variant is not present in population databases (gnomAD no frequency). This variant has not been reported in the literature in individuals affected with MUTYH-related conditions. ClinVar contains an entry for this variant (Variation ID: 1070115). For these reasons, this variant has been classified as Pathogenic.

All of Us Research Program, National Institutes of Health
Classification: Pathogenic for Familial adenomatous polyposis 2. Last evaluated: 2024-05-30. Review status: criteria provided, single submitter. Criteria: ACMG Guidelines, 2015. Collection method: clinical testing. Allele origin: germline. Inheritance: Autosomal recessive inheritance. Observed: 1 variant allele, 1 heterozygote.
Comment: This variant deletes 1 nucleotide in exon 8/16 of the MUTYH gene, creating a frameshift and premature translation stop signal. This variant is expected to result in an absent or non-functional protein product. To our knowledge, this variant has not been reported in individuals affected with MUTYH-related disorders in the literature. This variant has not been identified in the general population by the Genome Aggregation Database (gnomAD). Loss of MUTYH function is a known mechanism of disease. Based on the available evidence, this variant is classified as Pathogenic.

This study involves interpretation of variants in research participants for the purpose of population health screening. Participant phenotype was not available at the time of variant classification. Additional details can be found in publication PMID: 35346344, PMCID: PMC8962531

Ambry Genetics
Classification: Pathogenic for Hereditary cancer-predisposing syndrome. Last evaluated: 2024-04-23. Review status: criteria provided, single submitter. Criteria: Ambry Variant Classification Scheme 2023. Collection method: clinical testing. Allele origin: germline.
Comment: The c.591delA pathogenic mutation, located in coding exon 8 of the MUTYH gene, results from a deletion of one nucleotide at nucleotide position 591, causing a translational frameshift with a predicted alternate stop codon (p.G199Afs*41). This variant is considered to be rare based on population cohorts in the Genome Aggregation Database (gnomAD). This alteration is expected to result in loss of function by premature protein truncation or nonsense-mediated mRNA decay. As such, this alteration is interpreted as a disease-causing mutation.

Literature cited by the submitters: PubMed 18534194 (cited by Labcorp Genetics (formerly Invitae), Labcorp); PubMed 20663686 (cited by Labcorp Genetics (formerly Invitae), Labcorp).